The following is an entry in ClinVar:

NM_005477.3(HCN4):c.2755TCC[2] (p.Ser921del)

Gene: HCN4 (hyperpolarization activated cyclic nucleotide gated potassium channel 4; minus strand). Cytogenetic location: 15q24.1.
Variant type: Microsatellite.
Coding change: c.2755TCC[2] on transcript NM_005477.3 (MANE Select); two copies in a row of the 3-base unit TCC starting at c.2755; the reference has three copies in a row; one copy, 3 bases deleted.
Protein change: p.Ser921del; deletes serine 921.
Molecular consequence: inframe deletion.
Genome position (GRCh38, 1-based): chr15:73,323,330-73,323,332, GGA deleted on the plus strand (TCC on the coding strand, the reverse complement: HCN4 is on the minus strand); deleting any 3 consecutive bases within chr15:73,323,330-73,323,338 gives the same sequence; the position shown is the placement nearest the transcript's 3' end. VCF-style (leftmost placement, unchanged base first): chr15-73323329-CGGA-C. GRCh37 (hg19) VCF-style: chr15-73615670-CGGA-C.
Other names: c.2761_2763delTCC (NM_005477.2); short protein forms S921del.
Identifiers: ClinVar variation 1440818 (VCV001440818.9), dbSNP rs1313245625, ClinGen allele CA715544981.

ClinVar aggregate classification (germline): Uncertain significance. Review status: criteria provided, multiple submitters, no conflicts (2 of 4 stars). 2 submissions from 2 submitters: Uncertain significance (2). Last evaluated 2025-12-15.

Conditions:
Brugada syndrome 8 (BRGDA8). Identifiers: Orphanet 130, MedGen C2751083, MONDO:0013148, OMIM 613123.
Cardiovascular phenotype. Identifiers: MedGen CN230736.

Submissions (2):

Labcorp Genetics (formerly Invitae), Labcorp
Classification: Uncertain significance for Brugada syndrome 8. Last evaluated: 2025-12-15. Review status: criteria provided, single submitter. Criteria: Invitae Variant Classification Sherloc (09022015). Collection method: clinical testing. Allele origin: germline.
Comment: This variant, c.2761_2763del, results in the deletion of 1 amino acid(s) of the HCN4 protein (p.Ser921del), but otherwise preserves the integrity of the reading frame. This variant is not present in population databases (gnomAD no frequency). This variant has not been reported in the literature in individuals affected with HCN4-related conditions. Experimental studies and prediction algorithms are not available or were not evaluated, and the functional significance of this variant is currently unknown. In summary, the available evidence is currently insufficient to determine the role of this variant in disease. Therefore, it has been classified as a Variant of Uncertain Significance.

Ambry Genetics
Classification: Uncertain significance for Cardiovascular phenotype. Last evaluated: 2025-07-10. Review status: criteria provided, single submitter. Criteria: Ambry Variant Classification Scheme 2023. Collection method: clinical testing. Allele origin: germline.
Comment: The c.2761_2763delTCC variant (also known as p.S921del) is located in coding exon 8 of the HCN4 gene. This variant results from an in-frame TCC deletion at nucleotide positions 2761 to 2763. This results in the in-frame deletion of a serine at codon 921. This amino acid position is well conserved in available vertebrate species. In addition, this variant is predicted to be neutral by in silico analysis (Choi Y et al. PLoS ONE. 2012; 7(10):e46688). Based on the available evidence, the clinical significance of this variant remains unclear.